The following is an entry in ClinVar:

NM_001363711.2(DUOX2):c.2428G>T (p.Glu810Ter)

Gene: DUOX2 (dual oxidase 2; minus strand). Cytogenetic location: 15q21.1.
Variant type: single nucleotide variant.
Coding change: c.2428G>T on transcript NM_001363711.2 (MANE Select); coding-DNA position 2428, G replaced by T.
Protein change: p.Glu810Ter; replaces glutamic acid 810 with a stop codon.
Molecular consequence: nonsense.
Genome position (GRCh38, 1-based): chr15:45,104,272, C>A on the plus strand (G>T on the coding strand, the complement: DUOX2 is on the minus strand). VCF-style: chr15-45104272-C-A. GRCh37 (hg19) VCF-style: chr15-45396470-C-A.
Other names: c.2428G>T, p.Glu810Ter (NM_014080.5); short protein forms E810*.
Identifiers: ClinVar variation 2581533 (VCV002581533.4), dbSNP rs375229316, ClinGen allele CA392269717.
Genomic context (GRCh38, chr15:45,104,272, plus strand): 5'-GAGAGAACATGGACTCCACAAACATGTCCTGGGGCTTGAGGCCCAGGGACTCGGCAAACT[C>A]GGCCCTGCTCAGCTCGCAGGTCAGGGCCTCCCGCACCTTCTGGGAGGAGTCCAGGGGCAG-3'

ClinVar aggregate classification (germline): Pathogenic. Review status: criteria provided, multiple submitters, no conflicts (2 of 4 stars). 2 submissions from 2 submitters: Pathogenic (2). Last evaluated 2023-08-07.

Conditions:
Thyroid dyshormonogenesis 6 (TDH6). Also called: HYPOTHYROIDISM, CONGENITAL, DUE TO DYSHORMONOGENESIS, 6; Genetic transient congenital hypothyroidism; THYROID HORMONOGENESIS, GENETIC DEFECT IN, 6. Identifiers: Orphanet 226316, Orphanet 95716, MedGen C1846632, MONDO:0011792, OMIM 607200.

gnomAD v4.1: 1 of 1,614,082 alleles (0.000062%); highest among the groups gnomAD compares: Non-Finnish European, 0.000085%; no homozygotes.

Submissions (2):

Women's Health and Genetics/Laboratory Corporation of America, LabCorp
Classification: Pathogenic for Thyroid dyshormonogenesis 6. Last evaluated: 2023-08-07. Review status: criteria provided, single submitter. Criteria: LabCorp Variant Classification Summary - May 2015. Collection method: clinical testing. Allele origin: germline.
Comment: Variant summary: DUOX2 c.2428G>T (p.Glu810X) results in a premature termination codon, predicted to cause a truncation of the encoded protein or absence of the protein due to nonsense mediated decay, which are commonly known mechanisms for disease. The variant was absent in 251028 control chromosomes. c.2428G>T has been reported in the literature in at least one individual affected with congenital hypothyroidism (e.g., Kizys_2017). At least one publication reports experimental evidence evaluating an impact on protein function, demonnstrating that transfected HEK293 cells have no H2O2-generating activity and impaired targeting to the cell surface (Kizys_2017). The following publication has been ascertained in the context of this evaluation (PMID: 28666341). No submitters have cited clinical-significance assessments for this variant to ClinVar after 2014. Based on the evidence outlined above, the variant was classified as pathogenic.

Labcorp Genetics (formerly Invitae), Labcorp
Classification: Pathogenic. Last evaluated: 2023-07-25. Review status: criteria provided, single submitter. Criteria: Invitae Variant Classification Sherloc (09022015). Collection method: clinical testing. Allele origin: germline.
Comment: This sequence change creates a premature translational stop signal (p.Glu810*) in the DUOX2 gene. It is expected to result in an absent or disrupted protein product. Loss-of-function variants in DUOX2 are known to be pathogenic (PMID: 12110737, 18765513, 21565790, 24423310, 24735383). This variant is not present in population databases (gnomAD no frequency). This premature translational stop signal has been observed in individual(s) with DUOX2-related conditions (PMID: 28666341). For these reasons, this variant has been classified as Pathogenic.

Literature cited by the submitters: PubMed 28666341 (cited by Women's Health and Genetics/Laboratory Corporation of America, LabCorp and Labcorp Genetics (formerly Invitae), Labcorp); PubMed 12110737 (cited by Labcorp Genetics (formerly Invitae), Labcorp); PubMed 18765513 (cited by Labcorp Genetics (formerly Invitae), Labcorp); PubMed 21565790 (cited by Labcorp Genetics (formerly Invitae), Labcorp); PubMed 24423310 (cited by Labcorp Genetics (formerly Invitae), Labcorp); PubMed 24735383 (cited by Labcorp Genetics (formerly Invitae), Labcorp).